The following is an entry in ClinVar:

ClinVar aggregate classification (germline): Uncertain significance (1 of 4 stars; one submission).

Conditions:
Cohen syndrome (COH1). Also called: PEPPER SYNDROME; Cutis verticis gyrata, retinitis pigmentosa, and sensorineural deafness. Identifiers: Orphanet 193, MedGen C0265223, MONDO:0008999, OMIM 216550.

Allele frequency attached by ClinVar (database versions not stated): ExAC 0.00001; gnomAD 0.00001; gnomAD exomes 0.00001.
gnomAD v4.1: 3 of 1,613,232 alleles (0.00019%); highest among the groups gnomAD compares: East Asian, 0.0067%; no homozygotes.

Submission:

Labcorp Genetics (formerly Invitae), Labcorp
Classification: Uncertain significance for Cohen syndrome. Last evaluated: 2023-11-27. Review status: criteria provided, single submitter. Criteria: Invitae Variant Classification Sherloc (09022015). Collection method: clinical testing. Allele origin: germline.
Comment: This sequence change falls in intron 11 of the VPS13B gene. It does not directly change the encoded amino acid sequence of the VPS13B protein. It affects a nucleotide within the consensus splice site. This variant is present in population databases (rs753911390, gnomAD 0.02%). This variant has not been reported in the literature in individuals affected with VPS13B-related conditions. ClinVar contains an entry for this variant (Variation ID: 1483754). Variants that disrupt the consensus splice site are a relatively common cause of aberrant splicing (PMID: 17576681, 9536098). Algorithms developed to predict the effect of sequence changes on RNA splicing suggest that this variant is not likely to affect RNA splicing. In summary, the available evidence is currently insufficient to determine the role of this variant in disease. Therefore, it has been classified as a Variant of Uncertain Significance.

Literature cited by the submitters: PubMed 17576681; PubMed 9536098.

NM_152564.5(VPS13B):c.1564-3C>T

Gene: VPS13B (vacuolar protein sorting 13 homolog B; plus strand). Cytogenetic location: 8q22.2.
Variant type: single nucleotide variant.
Coding change: c.1564-3C>T on transcript NM_152564.5 (MANE Select); 3 bases into the intron before coding-DNA position 1564, C replaced by T.
Molecular consequence: intron variant.
Genome position (GRCh38, 1-based): chr8:99,136,662, C>T. VCF-style: chr8-99136662-C-T. GRCh37 (hg19) VCF-style: chr8-100148890-C-T.
Other names: c.1564-3C>T (NM_017890.5, NM_015243.3).
Identifiers: ClinVar variation 1483754 (VCV001483754.4), dbSNP rs753911390, ClinGen allele CA4822675.
Genomic context (GRCh38, chr8:99,136,662, plus strand): 5'-AGCTTTAAACTCAAAAGTTTCTTTTATACAATGTTTATTCTGTTTGCATTGCTTTGTTGG[C>T]AGGAGACATACACTGAGATAGCTGGAATGCAACGGTTTGGGGCTTTTTATATGGATTACC-3'